The following is an entry in ClinVar:

ClinVar aggregate classification (germline): Conflicting classifications of pathogenicity. Review status: criteria provided, conflicting classifications (1 of 4 stars). 3 submissions from 3 submitters: Uncertain significance (2); Benign (1). Last evaluated 2025-10-28.

Conditions:
Hereditary cancer-predisposing syndrome. Also called: Hereditary Cancer Syndrome; Hereditary neoplastic syndrome; Tumor predisposition; Neoplastic Syndromes, Hereditary. Identifiers: Orphanet 140162, MedGen C0027672, MeSH D009386, MONDO:0015356.
Fanconi anemia complementation group O. Also called: RAD51C-Related Fanconi Anemia. Identifiers: Orphanet 84, MedGen C3150653, MONDO:0013248, OMIM 613390.

Allele frequency attached by ClinVar (database versions not stated): gnomAD exomes below 0.00001.
gnomAD v4.1: 1 of 1,612,778 alleles (0.000062%); highest among the groups gnomAD compares: Admixed American, 0.0017%; no homozygotes.

Submissions (3):

Ambry Genetics
Classification: Benign for Hereditary cancer-predisposing syndrome. Last evaluated: 2025-10-28. Review status: criteria provided, single submitter. Criteria: Ambry Variant Classification Scheme 2023. Collection method: clinical testing. Allele origin: germline.

Labcorp Genetics (formerly Invitae), Labcorp
Classification: Uncertain significance for Fanconi anemia complementation group O. Last evaluated: 2025-10-07. Review status: criteria provided, single submitter. Criteria: Invitae Variant Classification Sherloc (09022015). Collection method: clinical testing. Allele origin: germline.
Comment: This sequence change replaces lysine, which is basic and polar, with arginine, which is basic and polar, at codon 289 of the RAD51C protein (p.Lys289Arg). This variant is present in population databases (no rsID available, gnomAD 0.003%). This variant has not been reported in the literature in individuals affected with RAD51C-related conditions. ClinVar contains an entry for this variant (Variation ID: 1359816). Invitae Evidence Modeling of protein sequence and biophysical properties (such as structural, functional, and spatial information, amino acid conservation, physicochemical variation, residue mobility, and thermodynamic stability) indicates that this missense variant is not expected to disrupt RAD51C protein function with a negative predictive value of 80%. In summary, the available evidence is currently insufficient to determine the role of this variant in disease. Therefore, it has been classified as a Variant of Uncertain Significance.

Color Diagnostics, LLC DBA Color Health
Classification: Uncertain significance for Hereditary cancer-predisposing syndrome. Last evaluated: 2022-12-14. Review status: criteria provided, single submitter. Criteria: ACMG Guidelines, 2015. Collection method: clinical testing. Allele origin: germline.
Comment: This missense variant replaces lysine with arginine at codon 289 of the RAD51C protein. Computational prediction suggests that this variant may not impact protein structure and function (internally defined REVEL score threshold <= 0.5, PMID: 27666373). To our knowledge, functional studies have not been reported for this variant. This variant has not been reported in individuals affected with RAD51C-related disorders in the literature. This variant has been identified in 1/251176 chromosomes in the general population by the Genome Aggregation Database (gnomAD). The available evidence is insufficient to determine the role of this variant in disease conclusively. Therefore, this variant is classified as a Variant of Uncertain Significance.

NM_058216.3(RAD51C):c.866A>G (p.Lys289Arg)

Gene: RAD51C (RAD51 paralog C; plus strand). Cytogenetic location: 17q22.
Variant type: single nucleotide variant.
Coding change: c.866A>G on transcript NM_058216.3 (MANE Select); coding-DNA position 866, A replaced by G.
Protein change: p.Lys289Arg; replaces lysine 289 with arginine.
Molecular consequence: missense variant. On other transcripts: non-coding transcript variant (1).
Genome position (GRCh38, 1-based): chr17:58,720,774, A>G. VCF-style: chr17-58720774-A-G. GRCh37 (hg19) VCF-style: chr17-56798135-A-G.
Other names: short protein forms K289R.
Identifiers: ClinVar variation 1359816 (VCV001359816.15), dbSNP rs1390237532, ClinGen allele CA400359514.